The following is an entry in ClinVar:

ClinVar aggregate classification (germline): Likely benign (1 of 4 stars; one submission).

gnomAD v4.1: 5 of 1,610,762 alleles (0.00031%); highest among the groups gnomAD compares: South Asian, 0.0011%; no homozygotes.

Submission:

CeGaT Center for Human Genetics Tuebingen
Classification: Likely benign. Last evaluated: 2024-10-01. Review status: criteria provided, single submitter. Criteria: CeGaT Center For Human Genetics Tuebingen Variant Classification Criteria Version 2. Collection method: clinical testing. Allele origin: germline. Affected: yes. Observed: 1 variant allele.
Comment: APH1B: BP4, BP7

NM_031301.4(APH1B):c.102C>T (p.Phe34=)

Genes: APH1B (aph-1B gamma-secretase subunit; plus strand), LOC130057231 (ATAC-STARR-seq lymphoblastoid silent region 6514; plus strand). Cytogenetic location: 15q22.2.
Variant type: single nucleotide variant.
Coding change: c.102C>T on transcript NM_031301.4 (MANE Select); coding-DNA position 102, C replaced by T.
Protein change: p.Phe34=; no amino-acid change (phenylalanine 34 retained).
Molecular consequence: synonymous variant.
Genome position (GRCh38, 1-based): chr15:63,277,725, C>T. VCF-style: chr15-63277725-C-T. GRCh37 (hg19) VCF-style: chr15-63569924-C-T.
Other names: c.102C>T, p.Phe34= (NM_001145646.2).
Identifiers: ClinVar variation 3389277 (VCV003389277.14).